The following is an entry in ClinVar:

ClinVar aggregate classification (germline): Uncertain significance (1 of 4 stars; one submission).

Conditions:
Hyperkalemic periodic paralysis. Also called: Familial hyperkalemic periodic paralysis; Gamstorp disease. Identifiers: Orphanet 682, MedGen C0238357, MONDO:0008224, OMIM 170500, HP:0007215.

Submission:

Labcorp Genetics (formerly Invitae), Labcorp
Classification: Uncertain significance for Hyperkalemic periodic paralysis. Last evaluated: 2021-02-02. Review status: criteria provided, single submitter. Criteria: Invitae Variant Classification Sherloc (09022015). Collection method: clinical testing. Allele origin: germline.
Comment: In summary, the available evidence is currently insufficient to determine the role of this variant in disease. Therefore, it has been classified as a Variant of Uncertain Significance. Algorithms developed to predict the effect of sequence changes on RNA splicing suggest that this variant may create or strengthen a splice site, but this prediction has not been confirmed by published transcriptional studies. Algorithms developed to predict the effect of missense changes on protein structure and function are either unavailable or do not agree on the potential impact of this missense change (SIFT: "Deleterious"; PolyPhen-2: "Probably Damaging"; Align-GVGD: "Class C15"). This variant has not been reported in the literature in individuals with SCN4A-related conditions. This variant is not present in population databases (ExAC no frequency). This sequence change replaces aspartic acid with glycine at codon 1615 of the SCN4A protein (p.Asp1615Gly). The aspartic acid residue is highly conserved and there is a moderate physicochemical difference between aspartic acid and glycine.

NM_000334.4(SCN4A):c.4844A>G (p.Asp1615Gly)

Genes: GH-LCR (growth hormone locus control region; plus strand), SCN4A (sodium voltage-gated channel alpha subunit 4; minus strand). Cytogenetic location: 17q23.3.
Variant type: single nucleotide variant.
Coding change: c.4844A>G on transcript NM_000334.4 (MANE Select); coding-DNA position 4844, A replaced by G.
Protein change: p.Asp1615Gly; replaces aspartic acid 1615 with glycine.
Molecular consequence: missense variant.
Genome position (GRCh38, 1-based): chr17:63,941,438, T>C on the plus strand (A>G on the coding strand, the complement: SCN4A is on the minus strand). VCF-style: chr17-63941438-T-C. GRCh37 (hg19) VCF-style: chr17-62018798-T-C.
Other names: short protein forms D1615G.
Identifiers: ClinVar variation 1367827 (VCV001367827.8), dbSNP rs2144773991, ClinGen allele CA400614847.